The following is an entry in ClinVar:

ClinVar aggregate classification (germline): Uncertain significance (1 of 4 stars; one submission).

Conditions:
X-linked agammaglobulinemia (XLA). Also called: IMMUNODEFICIENCY 1; Agammaglobulinemia, Bruton tyrosine kinase; Agammaglobulinemia, BTK; BTK-deficiency; Bruton-type agammaglobulinemia; Bruton's agammaglobulinemia. Identifiers: Orphanet 229717, Orphanet 47, MedGen C0221026, MONDO:0010421, OMIM 300755.

Submission:

3billion
Classification: Uncertain significance for X-linked agammaglobulinemia. Last evaluated: 2024-09-24. Review status: criteria provided, single submitter. Criteria: ACMG Guidelines, 2015. Collection method: clinical testing. Allele origin: germline. Affected: yes.
Comment: The variant is not observed in the gnomAD v4.0.0 dataset. Predicted Consequence/Location: Missense variant In silico tool predictions suggest damaging effect of the variant on gene or gene product [REVEL: 0.96 (>=0.6, sensitivity 0.68 and specificity 0.92); 3Cnet: 0.90 (>=0.6, sensitivity 0.72 and precision 0.9)]. Therefore, this variant is classified as VUS according to the recommendation of ACMG/AMP guideline.

NM_000061.3(BTK):c.841T>C (p.Trp281Arg)

Gene: BTK (Bruton tyrosine kinase; minus strand). Cytogenetic location: Xq22.1.
Variant type: single nucleotide variant.
Coding change: c.841T>C on transcript NM_000061.3 (MANE Select); coding-DNA position 841, T replaced by C.
Protein change: p.Trp281Arg; replaces tryptophan 281 with arginine.
Molecular consequence: missense variant.
Genome position (GRCh38, 1-based): chrX:101,359,346, A>G on the plus strand (T>C on the coding strand, the complement: BTK is on the minus strand). VCF-style: chrX-101359346-A-G. GRCh37 (hg19) VCF-style: chrX-100614334-A-G.
Other names: c.943T>C, p.Trp315Arg (NM_001287344.2); c.841T>C, p.Trp281Arg (NM_001287345.2); short protein forms W281R, W315R.
Identifiers: ClinVar variation 4293807 (VCV004293807.1).
Genomic context (GRCh38, chrX:101,359,346, plus strand): 5'-CACTTACCTCTTGCTTTAGCAGTTGCTCAGCCTGACTCCGAGTCATGTGTTTGGAATACC[A>G]CCTGTGAAGGGAGAGTGCTGCTTGAGTGGCTCCTGGTCATAAGCAGATTGGAGGTTACAG-3'
Protein context (NP_000052.1, residues 271-291): EAEDSIEMYE[Trp281Arg]YSKHMTRSQA